The following is an entry in ClinVar:

NM_001008216.2(GALE):c.169G>A (p.Gly57Ser)

Gene: GALE (UDP-galactose-4-epimerase; minus strand). Cytogenetic location: 1p36.11.
Variant type: single nucleotide variant.
Coding change: c.169G>A on transcript NM_001008216.2 (MANE Select); coding-DNA position 169, G replaced by A.
Protein change: p.Gly57Ser; replaces glycine 57 with serine.
Molecular consequence: missense variant.
Genome position (GRCh38, 1-based): chr1:23,798,683, C>T on the plus strand (G>A on the coding strand, the complement: GALE is on the minus strand). VCF-style: chr1-23798683-C-T. GRCh37 (hg19) VCF-style: chr1-24125173-C-T.
Other names: c.169G>A, p.Gly57Ser (NM_000403.4, NM_001127621.2); short protein forms G57S.
Identifiers: ClinVar variation 4881625 (VCV004881625.4).
Genomic context (GRCh38, chr1:23,798,683, plus strand): 5'-AGAGACGCTGTAGGGCTCCCTGGTCCAAAATGTCCATCTCCTCAAACTCCACAGAGCGGC[C>T]TGTCAGCTCCTGGACCCGCCGCAGGCTCTCAGGCAGGGAGCCCCCTCCTGGTAGGGTACA-3'
Protein context (NP_001008217.1, residues 47-67): ESLRRVQELT[Gly57Ser]RSVEFEEMDI

ClinVar aggregate classification (germline): Uncertain significance. Review status: criteria provided, multiple submitters, no conflicts (2 of 4 stars). 2 submissions from 2 submitters: Uncertain significance (2). Last evaluated 2024-10-02.

Conditions:
Thrombocytopenia 13, syndromic. Also called: THROMBOCYTOPENIA, AUTOSOMAL RECESSIVE, 13. Identifiers: MedGen C5935599, MONDO:0958333, OMIM 620776.
UDPglucose-4-epimerase deficiency. Also called: UDP-GALACTOSE-4-EPIMERASE DEFICIENCY; Galactose epimerase deficiency; UDPglucose 4-Epimerase Deficiency Disease; GALACTOSEMIA III; GALE DEFICIENCY; Epimerase Deficiency Galactosemia. Identifiers: Orphanet 352, Orphanet 79238, MedGen C0751161, MONDO:0009257, OMIM 230350.

gnomAD v4.1: 50 of 1,613,476 alleles (0.0031%); highest among the groups gnomAD compares: African/African-American, 0.064%; no homozygotes.

Submissions (2):

Dasa
Classification: Uncertain significance. Last evaluated: 2024-10-02. Review status: criteria provided, single submitter. Criteria: DASA Assertion Criteria. Collection method: clinical testing. Allele origin: germline.
Comment: NM_001008216.2(GALE):c.169G>A (p.Gly57Ser) is a missense variant that results in the substitution of glycine with serine. This variant is rare in population databases. Computational prediction algorithms are consistent with a benign effect. The currently available literature and clinical evidence are not sufficient to establish a definitive association between this variant and the reported condition. Therefore, this variant is classified as a variant of uncertain significance.

Juno Genomics, Hangzhou Juno Genomics, Inc
Classification: Uncertain significance for Thrombocytopenia 13, syndromic; UDPglucose-4-epimerase deficiency. Review status: criteria provided, single submitter. Criteria: ACMG Guidelines, 2015. Collection method: clinical testing. Allele origin: germline.
Comment: Absent from controls (or at extremely low frequency if recessive) in Genome Aggregation Database.